The following is an entry in ClinVar:

ClinVar aggregate classification (germline): Uncertain significance (1 of 4 stars; one submission).

Conditions:
Autosomal recessive limb-girdle muscular dystrophy type 2J (LGMDR10). Also called: Limb-girdle muscular dystrophy, type 2J; MUSCULAR DYSTROPHY, LIMB-GIRDLE, AUTOSOMAL RECESSIVE 10. Identifiers: Orphanet 140922, MedGen C1837342, MONDO:0012127, OMIM 608807.
Dilated cardiomyopathy 1G (CMD1G). Identifiers: Orphanet 154, MedGen C1858763, MONDO:0011400, OMIM 604145.

gnomAD v4.1: 2 of 1,600,364 alleles (0.00012%); highest among the groups gnomAD compares: Non-Finnish European, 0.00017%; no homozygotes.

Submission:

Labcorp Genetics (formerly Invitae), Labcorp
Classification: Uncertain significance for Dilated cardiomyopathy 1G; Autosomal recessive limb-girdle muscular dystrophy type 2J. Last evaluated: 2023-12-13. Review status: criteria provided, single submitter. Criteria: Invitae Variant Classification Sherloc (09022015). Collection method: clinical testing. Allele origin: germline.
Comment: This sequence change replaces valine, which is neutral and non-polar, with methionine, which is neutral and non-polar, at codon 11276 of the TTN protein (p.Val11276Met). This variant also falls at the last nucleotide of exon 143, which is part of the consensus splice site for this exon. This variant is not present in population databases (gnomAD no frequency). This variant has not been reported in the literature in individuals affected with TTN-related conditions. Experimental studies and prediction algorithms are not available or were not evaluated, and the functional significance of this variant is currently unknown. Variants that disrupt the consensus splice site are a relatively common cause of aberrant splicing (PMID: 17576681, 9536098). Algorithms developed to predict the effect of sequence changes on RNA splicing suggest that this variant may disrupt the consensus splice site. This variant is located in the I band of TTN (PMID: 25589632). Variants in this region may be clinically relevant, but have not been definitively shown to cause cardiomyopathy or neuromuscular disease (PMID: 27493940, 32778822). In summary, the available evidence is currently insufficient to determine the role of this variant in disease. Therefore, it has been classified as a Variant of Uncertain Significance.

Literature cited by the submitters: PubMed 17576681; PubMed 9536098; PubMed 25589632; PubMed 27493940; PubMed 32778822.

NM_001267550.2(TTN):c.33826G>A (p.Val11276Met)

Gene: TTN (titin; minus strand). Cytogenetic location: 2q31.2.
Variant type: single nucleotide variant.
Coding change: c.33826G>A on transcript NM_001267550.2 (MANE Select); coding-DNA position 33826, G replaced by A.
Protein change: p.Val11276Met; replaces valine 11276 with methionine.
Molecular consequence: missense variant. On other transcripts: intron variant (3).
Genome position (GRCh38, 1-based): chr2:178,678,747, C>T on the plus strand (G>A on the coding strand, the complement: TTN is on the minus strand). VCF-style: chr2-178678747-C-T. GRCh37 (hg19) VCF-style: chr2-179543474-C-T.
Other names: c.32875G>A, p.Val10959Met (NM_001256850.1); c.30094G>A, p.Val10032Met (NM_133378.4); c.13283-36430G>A (NM_003319.4); c.13859-36430G>A (NM_133437.4); c.13658-36430G>A (NM_133432.3); short protein forms V10959M, V11276M, V10032M.
Identifiers: ClinVar variation 2931509 (VCV002931509.3), dbSNP rs758746632, ClinGen allele CA349532979.